The following is an entry in ClinVar:

NM_000538.4(RFXAP):c.29C>T (p.Ala10Val)

Genes: RFXAP (regulatory factor X associated protein; plus strand), LOC130009573 (ATAC-STARR-seq lymphoblastoid silent region 5267; plus strand). Cytogenetic location: 13q13.3.
Variant type: single nucleotide variant.
Coding change: c.29C>T on transcript NM_000538.4 (MANE Select); coding-DNA position 29, C replaced by T.
Protein change: p.Ala10Val; replaces alanine 10 with valine.
Molecular consequence: missense variant.
Genome position (GRCh38, 1-based): chr13:36,819,386, C>T. VCF-style: chr13-36819386-C-T. GRCh37 (hg19) VCF-style: chr13-37393523-C-T.
Other names: short protein forms A10V.
Identifiers: ClinVar variation 1934234 (VCV001934234.3), dbSNP rs2057953402, ClinGen allele CA387852080.

ClinVar aggregate classification (germline): Uncertain significance (1 of 4 stars; one submission).

Conditions:
MHC class II deficiency. Also called: Bare lymphocyte syndrome 2; BLS, TYPE II. Identifiers: Orphanet 572, MedGen C5447452, MONDO:0008855.

Allele frequency attached by ClinVar (database versions not stated): gnomAD exomes below 0.00001; TOPMed below 0.00001.
gnomAD v4.1: 2 of 1,297,550 alleles (0.00015%); highest among the groups gnomAD compares: Non-Finnish European, 0.00019%; no homozygotes.

Submission:

Labcorp Genetics (formerly Invitae), Labcorp
Classification: Uncertain significance for MHC class II deficiency. Last evaluated: 2022-04-28. Review status: criteria provided, single submitter. Criteria: Invitae Variant Classification Sherloc (09022015). Collection method: clinical testing. Allele origin: germline.
Comment: This sequence change replaces alanine, which is neutral and non-polar, with valine, which is neutral and non-polar, at codon 10 of the RFXAP protein (p.Ala10Val). This variant is not present in population databases (gnomAD no frequency). This variant has not been reported in the literature in individuals affected with RFXAP-related conditions. Algorithms developed to predict the effect of missense changes on protein structure and function are either unavailable or do not agree on the potential impact of this missense change (SIFT: "Deleterious"; PolyPhen-2: "Benign"; Align-GVGD: "Class C0"). In summary, the available evidence is currently insufficient to determine the role of this variant in disease. Therefore, it has been classified as a Variant of Uncertain Significance.